The following is an entry in ClinVar:

ClinVar aggregate classification (germline): Conflicting classifications of pathogenicity. Review status: criteria provided, conflicting classifications (1 of 4 stars). 4 submissions from 4 submitters: Uncertain significance (1); Benign (1); Likely benign (2). Last evaluated 2026-01-28.

Conditions:
Charcot-Marie-Tooth disease type 2. Also called: Charcot-Marie-Tooth type 2. Identifiers: Orphanet 64746, MedGen C0270914, MONDO:0018993.
Charcot-Marie-Tooth disease axonal type 2N (CMT2N). Also called: Charcot-Marie-Tooth Neuropathy Type 2N; CHARCOT-MARIE-TOOTH DISEASE, AXONAL, AUTOSOMAL DOMINANT, TYPE 2N; CHARCOT-MARIE-TOOTH NEUROPATHY, AXONAL, TYPE 2N. Identifiers: Orphanet 228174, MedGen C2750090, MONDO:0013212, OMIM 613287.

Allele frequency attached by ClinVar (database versions not stated): gnomAD 0.00003; ExAC 0.00028; gnomAD exomes 0.00036 and 0.00018; TOPMed 0.00021.
gnomAD v4.1: 112 of 1,613,986 alleles (0.0069%); highest among the groups gnomAD compares: Admixed American, 0.18%; no homozygotes.

Submissions (4):

Labcorp Genetics (formerly Invitae), Labcorp
Classification: Likely benign for Charcot-Marie-Tooth disease type 2. Last evaluated: 2026-01-28. Review status: criteria provided, single submitter. Criteria: Invitae Variant Classification Sherloc (09022015). Collection method: clinical testing. Allele origin: germline.

Women's Health and Genetics/Laboratory Corporation of America, LabCorp
Classification: Likely benign. Last evaluated: 2025-11-11. Review status: criteria provided, single submitter. Criteria: LabCorp Variant Classification Summary - May 2015. Collection method: clinical testing. Allele origin: germline.
Comment: Variant summary: AARS1 c.1481G>T (p.Ser494Ile) results in a non-conservative amino acid change in the encoded protein sequence. Algorithms developed to predict the effect of missense changes on protein structure and function are either unavailable or do not agree on the potential impact of this missense change. The variant allele was found at a frequency of 0.00032 in 282834 control chromosomes, predominantly at a frequency of 0.0025 within the Latino subpopulation in the gnomAD database. The observed variant frequency within Latino control individuals in the gnomAD database exceeds the estimated maximal expected allele frequency for disease-causing variants in AARS1. To our knowledge, no occurrence of c.1481G>T in individuals affected with AARS1-related conditions and no experimental evidence demonstrating its impact on protein function have been reported. ClinVar contains an entry for this variant (Variation ID: 246158). Based on the evidence outlined above, the variant was classified as likely benign.

GeneDx
Classification: Uncertain significance. Last evaluated: 2024-01-05. Review status: criteria provided, single submitter. Criteria: GeneDx Variant Classification Process June 2021. Collection method: clinical testing. Allele origin: germline. Affected: yes.
Comment: In silico analysis supports that this missense variant has a deleterious effect on protein structure/function; Has not been previously published as pathogenic or benign to our knowledge; This variant is associated with the following publications: (PMID: 25817015)

Illumina Laboratory Services, Illumina
Classification: Benign for Charcot-Marie-Tooth disease axonal type 2N. Last evaluated: 2018-01-12. Review status: criteria provided, single submitter. Criteria: ICSL Variant Classification Criteria 13 December 2019. Collection method: clinical testing. Allele origin: germline.
Comment: This variant was observed in the ICSL laboratory as part of a predisposition screen in an ostensibly healthy population. It had not been previously curated by ICSL or reported in the Human Gene Mutation Database (HGMD: prior to June 1st, 2018), and was therefore a candidate for classification through an automated scoring system. Utilizing variant allele frequency, disease prevalence and penetrance estimates, and inheritance mode, an automated score was calculated to assess if this variant is too frequent to cause the disease. Based on the score and internal cut-off values, a variant classified as benign is not then subjected to further curation. The score for this variant resulted in a classification of benign for this disease.

NM_001605.3(AARS1):c.1481G>T (p.Ser494Ile)

Gene: AARS1 (alanyl-tRNA synthetase 1; minus strand). Cytogenetic location: 16q22.1.
Variant type: single nucleotide variant.
Coding change: c.1481G>T on transcript NM_001605.3 (MANE Select); coding-DNA position 1481, G replaced by T.
Protein change: p.Ser494Ile; replaces serine 494 with isoleucine.
Molecular consequence: missense variant.
Genome position (GRCh38, 1-based): chr16:70,264,969, C>A on the plus strand (G>T on the coding strand, the complement: AARS1 is on the minus strand). VCF-style: chr16-70264969-C-A. GRCh37 (hg19) VCF-style: chr16-70298872-C-A.
Other names: short protein forms S494I.
Identifiers: ClinVar variation 246158 (VCV000246158.19), dbSNP rs771059047, ClinGen allele CA8140806.